The following is an entry in ClinVar:

NM_001079855.2(GYG2):c.-129+10G>C

Gene: GYG2 (glycogenin 2; plus strand). Cytogenetic location: Xp22.33.
Variant type: single nucleotide variant.
Coding change: c.-129+10G>C on transcript NM_001079855.2 (MANE Select); 10 bases into the intron after 129 bases upstream of the start codon, G replaced by C.
Molecular consequence: intron variant.
Genome position (GRCh38, 1-based): chrX:2,828,985, G>C. VCF-style: chrX-2828985-G-C. GRCh37 (hg19) VCF-style: chrX-2747026-G-C.
Other names: c.-129+10G>C (NM_003918.3, NM_001184703.2, NM_001184702.2); c.-452+10G>C (NM_001184704.2).
Identifiers: ClinVar variation 508844 (VCV000508844.1), dbSNP rs1555894781, ClinGen allele CA658799576.

ClinVar aggregate classification (germline): Likely benign (1 of 4 stars; one submission).

Allele frequency attached by ClinVar (database versions not stated): gnomAD 0.00001.
gnomAD v4.1: 1 of 110,170 alleles (0.00091%); highest among the groups gnomAD compares: Non-Finnish European, 0.0019%; no homozygotes.

Submission:

GeneDx
Classification: Likely benign. Last evaluated: 2017-04-27. Review status: criteria provided, single submitter. Criteria: GeneDx Variant Classification (06012015). Collection method: clinical testing. Allele origin: germline. Affected: yes.
Comment: This variant is considered likely benign or benign based on one or more of the following criteria: it is a conservative change, it occurs at a poorly conserved position in the protein, it is predicted to be benign by multiple in silico algorithms, and/or has population frequency not consistent with disease.